The following is an entry in ClinVar:

NM_003978.5(PSTPIP1):c.213-1G>A

Gene: PSTPIP1 (proline-serine-threonine phosphatase interacting protein 1; plus strand). Cytogenetic location: 15q24.3.
Variant type: single nucleotide variant.
Coding change: c.213-1G>A on transcript NM_003978.5 (MANE Select); the canonical splice acceptor site of the intron before coding-DNA position 213, G replaced by A.
Molecular consequence: splice acceptor variant.
Genome position (GRCh38, 1-based): chr15:77,025,283, G>A. VCF-style: chr15-77025283-G-A. GRCh37 (hg19) VCF-style: chr15-77317624-G-A.
Other names: c.408-1G>A (NM_001321137.1); c.186-1G>A (NM_001321136.2); c.213-1G>A (NM_001321135.2, NM_001411086.1).
Identifiers: ClinVar variation 4731187 (VCV004731187.1).
Genomic context (GRCh38, chr15:77,025,283, plus strand): 5'-CCTGGACTGTAGGTTCCCGCTGTGCTCTCCTCCTCCTGACCTGGACCCATCTGTTTTGCA[G>A]CTCCCTGAGGGCCTCCTTTGACTCCTTGAAGCAGCGTAAGTCCCCTACCCTGGGGCAATG-3'

ClinVar aggregate classification (germline): Uncertain significance (1 of 4 stars; one submission).

Conditions:
Pyogenic arthritis-pyoderma gangrenosum-acne syndrome (PAPA). Also called: PAPA SYNDROME; FAMILIAL RECURRENT ARTHRITIS. Identifiers: Orphanet 69126, MedGen C1858361, MONDO:0011462, OMIM 604416.

gnomAD v4.1: 1 of 1,610,106 alleles (0.000062%); highest among the groups gnomAD compares: South Asian, 0.0011%; no homozygotes.

Submission:

Labcorp Genetics (formerly Invitae), Labcorp
Classification: Uncertain significance for Pyogenic arthritis-pyoderma gangrenosum-acne syndrome. Last evaluated: 2025-11-18. Review status: criteria provided, single submitter. Criteria: Invitae Variant Classification Sherloc (09022015). Collection method: clinical testing. Allele origin: germline.
Comment: This sequence change affects an acceptor splice site in intron 3 of the PSTPIP1 gene. It is expected to disrupt RNA splicing. Variants that disrupt the donor or acceptor splice site typically lead to a loss of protein function (PMID: 16199547), however the current clinical and genetic evidence is not sufficient to establish whether loss-of-function variants in PSTPIP1 cause disease. This variant is not present in population databases (gnomAD no frequency). This variant has not been reported in the literature in individuals affected with PSTPIP1-related conditions. Algorithms developed to predict the effect of sequence changes on RNA splicing suggest that this variant may disrupt the consensus splice site. In summary, the available evidence is currently insufficient to determine the role of this variant in disease. Therefore, it has been classified as a Variant of Uncertain Significance.

Literature cited by the submitters: PubMed 16199547.